The following is an entry in ClinVar:

ClinVar aggregate classification (germline): Uncertain significance. Review status: criteria provided, multiple submitters, no conflicts (2 of 4 stars). 2 submissions from 2 submitters: Uncertain significance (2). Last evaluated 2024-03-30.

Conditions:
Fanconi anemia complementation group P. Also called: SLX4-Related Fanconi Anemia. Identifiers: Orphanet 84, MedGen C3469542, MONDO:0013499, OMIM 613951.
Fanconi anemia (FA). Also called: Fanconi's anemia. Identifiers: Orphanet 84, MedGen C0015625, MeSH D005199, MONDO:0019391.

Allele frequency attached by ClinVar (database versions not stated): gnomAD exomes below 0.00001 and 0.00002; gnomAD 0.00001; TOPMed 0.00001.
gnomAD v4.1: 28 of 1,614,030 alleles (0.0017%); highest among the groups gnomAD compares: Non-Finnish European, 0.0023%; no homozygotes.

Submissions (2):

Fulgent Genetics
Classification: Uncertain significance for Fanconi anemia complementation group P. Last evaluated: 2024-03-30. Review status: criteria provided, single submitter. Criteria: ACMG Guidelines, 2015. Collection method: clinical testing. Allele origin: germline.

Labcorp Genetics (formerly Invitae), Labcorp
Classification: Uncertain significance for Fanconi anemia. Last evaluated: 2024-03-13. Review status: criteria provided, single submitter. Criteria: Invitae Variant Classification Sherloc (09022015). Collection method: clinical testing. Allele origin: germline.
Comment: This sequence change replaces arginine, which is basic and polar, with isoleucine, which is neutral and non-polar, at codon 178 of the SLX4 protein (p.Arg178Ile). The frequency data for this variant in the population databases is considered unreliable, as metrics indicate poor data quality at this position in the gnomAD database. This variant has not been reported in the literature in individuals affected with SLX4-related conditions. ClinVar contains an entry for this variant (Variation ID: 1486292). An algorithm developed to predict the effect of missense changes on protein structure and function (PolyPhen-2) suggests that this variant¬†is likely to be tolerated. In summary, the available evidence is currently insufficient to determine the role of this variant in disease. Therefore, it has been classified as a Variant of Uncertain Significance.

NM_032444.4(SLX4):c.533G>T (p.Arg178Ile)

Gene: SLX4 (SLX4 structure-specific endonuclease subunit; minus strand). Cytogenetic location: 16p13.3.
Variant type: single nucleotide variant.
Coding change: c.533G>T on transcript NM_032444.4 (MANE Select); coding-DNA position 533, G replaced by T.
Protein change: p.Arg178Ile; replaces arginine 178 with isoleucine.
Molecular consequence: missense variant.
Genome position (GRCh38, 1-based): chr16:3,608,432, C>A on the plus strand (G>T on the coding strand, the complement: SLX4 is on the minus strand). VCF-style: chr16-3608432-C-A. GRCh37 (hg19) VCF-style: chr16-3658433-C-A.
Other names: short protein forms R178I.
Identifiers: ClinVar variation 1486292 (VCV001486292.5), dbSNP rs1216948562, ClinGen allele CA394547038.